The following is an entry in ClinVar:

ClinVar aggregate classification (germline): Likely benign. Review status: criteria provided, multiple submitters, no conflicts (2 of 4 stars). 2 submissions from 2 submitters: Likely benign (2). Last evaluated 2026-09-18.

Conditions:
RP1L1-related disorder. Also called: RP1L1-related condition.

gnomAD v4.1: 65 of 1,610,954 alleles (0.004%); highest among the groups gnomAD compares: South Asian, 0.024%; no homozygotes.

Submissions (2):

PreventionGenetics, part of Exact Sciences
Classification: Likely benign for RP1L1-related condition. Last evaluated: 2026-09-18. Review status: criteria provided, single submitter. Criteria: ACMG Guidelines, 2015. Collection method: clinical testing. Allele origin: germline.
Comment: This variant is classified as likely benign based on ACMG/AMP sequence variant interpretation guidelines (Richards et al. 2015 PMID: 25741868, with internal and published modifications).

Blueprint Genetics
Classification: Likely benign. Last evaluated: 2022-10-25. Review status: criteria provided, single submitter. Criteria: ACMG Guidelines, 2015. Collection method: clinical testing. Allele origin: germline.

NM_178857.6(RP1L1):c.3174C>T (p.Ala1058=)

Gene: RP1L1 (RP1 like 1). Cytogenetic location: 8p23.1.
Variant type: single nucleotide variant.
Coding change: c.3174C>T on transcript NM_178857.6 (MANE Select); coding-DNA position 3174, C replaced by T.
Protein change: p.Ala1058=; no amino-acid change (alanine 1058 retained).
Molecular consequence: synonymous variant.
Genome position (GRCh38, 1-based): chr8:10,610,924, G>A on the plus strand (C>T on the coding strand, the complement: RP1L1 is on the minus strand). VCF-style: chr8-10610924-G-A. GRCh37 (hg19) VCF-style: chr8-10468434-G-A.
Other names: c.3174C>T (NM_178857.5).
Identifiers: ClinVar variation 4899217 (VCV004899217.2).